The following is an entry in ClinVar:

ClinVar aggregate classification (germline): Likely benign (1 of 4 stars; one submission).

Allele frequency attached by ClinVar (database versions not stated): gnomAD exomes 0.00141; gnomAD 0.01365 and 0.01470; 1000 Genomes Project 0.01458; TOPMed 0.01551; 1000 Genomes Project 30x 0.01608.
gnomAD v4.1: 3,727 of 1,269,968 alleles (0.29%); highest among the groups gnomAD compares: African/African-American, 4.8%; 81 homozygotes.

Submission:

GeneDx
Classification: Likely benign. Last evaluated: 2018-06-14. Review status: criteria provided, single submitter. Criteria: GeneDx Variant Classification (06012015). Collection method: clinical testing. Allele origin: germline. Affected: yes.
Comment: This variant is considered likely benign or benign based on one or more of the following criteria: it is a conservative change, it occurs at a poorly conserved position in the protein, it is predicted to be benign by multiple in silico algorithms, and/or has population frequency not consistent with disease.

NM_004369.4(COL6A3):c.6538-84T>G

Gene: COL6A3 (collagen type VI alpha 3 chain; minus strand). Cytogenetic location: 2q37.3.
Variant type: single nucleotide variant.
Coding change: c.6538-84T>G on transcript NM_004369.4 (MANE Select); 84 bases into the intron before coding-DNA position 6538, T replaced by G.
Molecular consequence: intron variant.
Genome position (GRCh38, 1-based): chr2:237,357,475, A>C on the plus strand (T>G on the coding strand, the complement: COL6A3 is on the minus strand). VCF-style: chr2-237357475-A-C. GRCh37 (hg19) VCF-style: chr2-238266118-A-C.
Other names: c.4717-84T>G (NM_057166.5); c.5920-84T>G (NM_057167.4).
Identifiers: ClinVar variation 679556 (VCV000679556.1), dbSNP rs73998888, ClinGen allele CA67851720.